The following is an entry in ClinVar:

ClinVar aggregate classification (germline): Uncertain significance (1 of 4 stars; one submission).

Allele frequency attached by ClinVar (database versions not stated): gnomAD exomes below 0.00001.

Submission:

Labcorp Genetics (formerly Invitae), Labcorp
Classification: Uncertain significance. Last evaluated: 2021-01-12. Review status: criteria provided, single submitter. Criteria: Invitae Variant Classification Sherloc (09022015). Collection method: clinical testing. Allele origin: germline.
Comment: This sequence change replaces glycine with glutamic acid at codon 112 of the ROM1 protein (p.Gly112Glu). The glycine residue is highly conserved and there is a moderate physicochemical difference between glycine and glutamic acid. This variant is not present in population databases (ExAC no frequency). This variant has not been reported in the literature in individuals with ROM1-related conditions. Algorithms developed to predict the effect of missense changes on protein structure and function are either unavailable or do not agree on the potential impact of this missense change (SIFT: "Tolerated"; PolyPhen-2: "Probably Damaging"; Align-GVGD: "Class C0"). In summary, the available evidence is currently insufficient to determine the role of this variant in disease. Therefore, it has been classified as a Variant of Uncertain Significance.

NM_000327.4(ROM1):c.335G>A (p.Gly112Glu)

Gene: ROM1 (retinal outer segment membrane protein 1; plus strand). Cytogenetic location: 11q12.3.
Variant type: single nucleotide variant.
Coding change: c.335G>A on transcript NM_000327.4 (MANE Select); coding-DNA position 335, G replaced by A.
Protein change: p.Gly112Glu; replaces glycine 112 with glutamic acid.
Molecular consequence: missense variant.
Genome position (GRCh38, 1-based): chr11:62,613,616, G>A. VCF-style: chr11-62613616-G-A. GRCh37 (hg19) VCF-style: chr11-62381088-G-A.
Other names: short protein forms G112E.
Identifiers: ClinVar variation 2164153 (VCV002164153.1), dbSNP rs1448631210, ClinGen allele CA380969382.
Genomic context (GRCh38, chr11:62,613,616, plus strand): 5'-TATACCCTCCCTGGCGAGGGGTCCTGGGCCCGCTGCTGGTGGCTGGCACGGCTGGTGGGG[G>A]GGGGCTCCTGGTCGTCGGCCTCGGGCTAGCCCTGGCTTTGCCTGGGAGTCTGGATGAGGC-3'
Protein context (NP_000318.2, residues 102-122): PLLVAGTAGG[Gly112Glu]GLLVVGLGLA